The following is an entry in ClinVar:

NM_006767.4(LZTR1):c.1957C>A (p.Gln653Lys)

Gene: LZTR1 (leucine zipper like post translational regulator 1; plus strand). Cytogenetic location: 22q11.21.
Variant type: single nucleotide variant.
Coding change: c.1957C>A on transcript NM_006767.4 (MANE Select); coding-DNA position 1957, C replaced by A.
Protein change: p.Gln653Lys; replaces glutamine 653 with lysine.
Molecular consequence: missense variant.
Genome position (GRCh38, 1-based): chr22:20,995,760, C>A. VCF-style: chr22-20995760-C-A. GRCh37 (hg19) VCF-style: chr22-21350049-C-A.
Other names: short protein forms Q653K.
Identifiers: ClinVar variation 3713898 (VCV003713898.2).

ClinVar aggregate classification (germline): Uncertain significance (1 of 4 stars; one submission).

gnomAD v4.1: 1 of 1,613,500 alleles (0.000062%); highest among the groups gnomAD compares: Non-Finnish European, 0.000085%; no homozygotes.

Submission:

Labcorp Genetics (formerly Invitae), Labcorp
Classification: Uncertain significance. Last evaluated: 2024-10-31. Review status: criteria provided, single submitter. Criteria: Invitae Variant Classification Sherloc (09022015). Collection method: clinical testing. Allele origin: germline.
Comment: This sequence change replaces glutamine, which is neutral and polar, with lysine, which is basic and polar, at codon 653 of the LZTR1 protein (p.Gln653Lys). This variant is not present in population databases (gnomAD no frequency). This variant has not been reported in the literature in individuals affected with LZTR1-related conditions. Invitae Evidence Modeling of protein sequence and biophysical properties (such as structural, functional, and spatial information, amino acid conservation, physicochemical variation, residue mobility, and thermodynamic stability) indicates that this missense variant is not expected to disrupt LZTR1 protein function with a negative predictive value of 80%. In summary, the available evidence is currently insufficient to determine the role of this variant in disease. Therefore, it has been classified as a Variant of Uncertain Significance.